The following is an entry in ClinVar:

NM_004208.4(AIFM1):c.939C>T (p.Ser313=)

Genes: AIFM1 (apoptosis inducing factor mitochondria associated 1; minus strand), RAB33A (RAB33A, member RAS oncogene family; plus strand). Cytogenetic location: Xq26.1.
Variant type: single nucleotide variant.
Coding change: c.939C>T on transcript NM_004208.4 (MANE Select); coding-DNA position 939, C replaced by T.
Protein change: p.Ser313=; no amino-acid change (serine 313 retained).
Molecular consequence: synonymous variant. On other transcripts: non-coding transcript variant (1).
Genome position (GRCh38, 1-based): chrX:130,138,621, G>A on the plus strand (C>T on the coding strand, the complement: AIFM1 is on the minus strand). VCF-style: chrX-130138621-G-A. GRCh37 (hg19) VCF-style: chrX-129272596-G-A.
Other names: c.939C>T, p.Ser313= (NM_001130847.4); c.927C>T, p.Ser309= (NM_145812.3).
Identifiers: ClinVar variation 916946 (VCV000916946.17), dbSNP rs768118991, ClinGen allele CA10515371.

ClinVar aggregate classification (germline): Likely benign. Review status: criteria provided, multiple submitters, no conflicts (2 of 4 stars). 7 submissions from 7 submitters: Likely benign (5). 2 of the submissions do not count toward it. Last evaluated 2025-09-01.

Conditions:
Charcot-Marie-Tooth Neuropathy X. Identifiers: MedGen CN118851.
Combined oxidative phosphorylation deficiency. Identifiers: MedGen C4540031, MONDO:0000732.
Charcot-Marie-Tooth disease. Also called: Charcot-Marie-Tooth Neuropathy; Charcot-Marie-Tooth Hereditary Neuropathy. Identifiers: Orphanet 166, MedGen C0007959, MONDO:0015626.

Allele frequency attached by ClinVar (database versions not stated): TOPMed 0.00001; gnomAD exomes 0.00002 and 0.00003; gnomAD 0.00004; ExAC 0.00006.
gnomAD v4.1: 22 of 1,207,708 alleles (0.0018%); highest among the groups gnomAD compares: African/African-American, 0.012%; no homozygotes.

Submissions (7):

CeGaT Center for Human Genetics Tuebingen
Classification: Likely benign. Last evaluated: 2025-09-01. Review status: criteria provided, single submitter. Criteria: CeGaT Center For Human Genetics Tuebingen Variant Classification Criteria Version 2. Collection method: clinical testing. Allele origin: germline. Affected: yes. Observed: 1 variant allele.
Comment: AIFM1: BP4, BP7, BS2

Labcorp Genetics (formerly Invitae), Labcorp
Classification: Likely benign for Charcot-Marie-Tooth Neuropathy X; Combined oxidative phosphorylation deficiency. Last evaluated: 2024-12-18. Review status: criteria provided, single submitter. Criteria: Invitae Variant Classification Sherloc (09022015). Collection method: clinical testing. Allele origin: germline.

Blueprint Genetics
Classification: Likely benign. Last evaluated: 2024-07-24. Review status: criteria provided, single submitter. Criteria: ACMG Guidelines, 2015. Collection method: clinical testing. Allele origin: germline.

Breakthrough Genomics
Classification: Likely benign. Review status: criteria provided, single submitter. Criteria: ACMG Guidelines, 2015. Collection method: not provided. Allele origin: germline. Inheritance: X-linked inheritance. Affected: yes.

Molecular Genetics Laboratory, London Health Sciences Centre
Classification: Likely benign for Charcot-Marie-Tooth disease. Review status: criteria provided, single submitter. Criteria: ACMG Guidelines, 2015. Collection method: clinical testing. Allele origin: germline. Affected: yes.

Clinical Genetics DNA and cytogenetics Diagnostics Lab, Erasmus MC, Erasmus Medical Center
Classification: Likely benign. Review status: no assertion criteria provided. Collection method: clinical testing. Allele origin: germline. Affected: yes. Study: VKGL Data-share Consensus. Not counted in ClinVar's aggregate classification.

Clinical Genetics, Academic Medical Center
Classification: Likely benign. Review status: no assertion criteria provided. Collection method: clinical testing. Allele origin: germline. Affected: yes. Study: VKGL Data-share Consensus. Not counted in ClinVar's aggregate classification.